The following is an entry in ClinVar:

NC_000001.10:g.(?_237923056)_(237995947_?)del

Gene: RYR2 (ryanodine receptor 2; plus strand). Cytogenetic location: 1q43.
Variant type: Deletion.
Identifiers: ClinVar variation 2423527 (VCV002423527.4).

ClinVar aggregate classification (germline): Uncertain significance (1 of 4 stars; one submission).

Conditions:
Catecholaminergic polymorphic ventricular tachycardia 1. Also called: VENTRICULAR TACHYCARDIA, CATECHOLAMINERGIC POLYMORPHIC, 1, WITH OR WITHOUT ATRIAL DYSFUNCTION AND/OR DILATED CARDIOMYOPATHY; RYR2-Related Catecholaminergic Polymorphic Ventricular Tachycardia; VENTRICULAR TACHYCARDIA, STRESS-INDUCED POLYMORPHIC 1. Identifiers: Orphanet 3286, MedGen C1631597, MONDO:0011484, OMIM 604772.

Submission:

Labcorp Genetics (formerly Invitae), Labcorp
Classification: Uncertain significance for Catecholaminergic polymorphic ventricular tachycardia 1. Last evaluated: 2022-07-30. Review status: criteria provided, single submitter. Criteria: Invitae Variant Classification Sherloc (09022015). Collection method: clinical testing. Allele origin: germline.
Comment: In summary, the available evidence is currently insufficient to determine the role of this variant in disease. Therefore, it has been classified as a Variant of Uncertain Significance. Experimental studies and prediction algorithms are not available or were not evaluated, and the functional significance of this variant is currently unknown. This variant has not been reported in the literature in individuals affected with RYR2-related conditions. This variant is a gross deletion of the genomic region encompassing exon(s) 83-105 of the RYR2 gene, which includes the termination codon. This deletion extends beyond the assayed region for this gene and therefore may encompass additional genes. While this deletion is not anticipated to lead to nonsense mediated decay, it is expected to alter mRNA translation or result in a truncated protein product.